The following is an entry in ClinVar:

NM_001851.6(COL9A1):c.611T>G (p.Leu204Ter)

Gene: COL9A1 (collagen type IX alpha 1 chain; minus strand). Cytogenetic location: 6q13.
Variant type: single nucleotide variant.
Coding change: c.611T>G on transcript NM_001851.6 (MANE Select); coding-DNA position 611, T replaced by G.
Protein change: p.Leu204Ter; replaces leucine 204 with a stop codon.
Molecular consequence: nonsense.
Genome position (GRCh38, 1-based): chr6:70,294,252, A>C on the plus strand (T>G on the coding strand, the complement: COL9A1 is on the minus strand). VCF-style: chr6-70294252-A-C. GRCh37 (hg19) VCF-style: chr6-71003955-A-C.
Other names: c.611T>G, p.Leu204Ter (NM_001377291.1); short protein forms L204*.
Identifiers: ClinVar variation 1925780 (VCV001925780.5), dbSNP rs749755436, ClinGen allele CA3882770.

ClinVar aggregate classification (germline): Pathogenic (1 of 4 stars; one submission).

Allele frequency attached by ClinVar (database versions not stated): gnomAD exomes 0.00001; ExAC 0.00002.

Submission:

Labcorp Genetics (formerly Invitae), Labcorp
Classification: Pathogenic. Last evaluated: 2022-07-13. Review status: criteria provided, single submitter. Criteria: Invitae Variant Classification Sherloc (09022015). Collection method: clinical testing. Allele origin: germline.
Comment: For these reasons, this variant has been classified as Pathogenic. This variant has not been reported in the literature in individuals affected with COL9A1-related conditions. This variant is present in population databases (rs749755436, gnomAD 0.002%). This sequence change creates a premature translational stop signal (p.Leu204*) in the COL9A1 gene. It is expected to result in an absent or disrupted protein product. Loss-of-function variants in COL9A1 are known to be pathogenic (PMID: 16909383, 21421862).

Literature cited by the submitters: PubMed 16909383; PubMed 21421862.